The following is an entry in ClinVar:

ClinVar aggregate classification (germline): Benign/Likely benign. Review status: criteria provided, multiple submitters, no conflicts (2 of 4 stars). 3 submissions from 3 submitters: Benign (1); Likely benign (2). Last evaluated 2025-02-07.

Conditions:
Hereditary cancer-predisposing syndrome. Also called: Neoplastic Syndromes, Hereditary; Tumor predisposition; Hereditary neoplastic syndrome; Hereditary Cancer Syndrome. Identifiers: Orphanet 140162, MedGen C0027672, MeSH D009386, MONDO:0015356.
Colorectal cancer, susceptibility to, 12 (CRCS12). Also called: COLORECTAL CANCER, SUSCEPTIBILITY TO, ON CHROMOSOME 12q24. Identifiers: Orphanet 220460, MedGen C3554460, MONDO:0014038, OMIM 615083.

Submissions (3):

Myriad Genetics, Inc.
Classification: Benign for Colorectal cancer, susceptibility to, 12. Last evaluated: 2025-02-07. Review status: criteria provided, single submitter. Criteria: Myriad Autosomal Dominant, Autosomal Recessive and X-Linked Classification Criteria (2023). Collection method: clinical testing. Allele origin: unknown.
Comment: This variant is considered benign. This variant is a silent/synonymous amino acid change and it is not expected to impact splicing.

Labcorp Genetics (formerly Invitae), Labcorp
Classification: Likely benign. Last evaluated: 2023-08-19. Review status: criteria provided, single submitter. Criteria: Invitae Variant Classification Sherloc (09022015). Collection method: clinical testing. Allele origin: germline.

Ambry Genetics
Classification: Likely benign for Hereditary cancer-predisposing syndrome. Last evaluated: 2018-08-24. Review status: criteria provided, single submitter. Criteria: Ambry Variant Classification Scheme 2023. Collection method: clinical testing. Allele origin: germline.

NM_006231.4(POLE):c.814T>C (p.Leu272=)

Gene: POLE (DNA polymerase epsilon, catalytic subunit; minus strand). Cytogenetic location: 12q24.33.
Variant type: single nucleotide variant.
Coding change: c.814T>C on transcript NM_006231.4 (MANE Select); coding-DNA position 814, T replaced by C.
Protein change: p.Leu272=; no amino-acid change (leucine 272 retained).
Molecular consequence: synonymous variant.
Genome position (GRCh38, 1-based): chr12:132,676,641, A>G on the plus strand (T>C on the coding strand, the complement: POLE is on the minus strand). VCF-style: chr12-132676641-A-G. GRCh37 (hg19) VCF-style: chr12-133253227-A-G.
Identifiers: ClinVar variation 827480 (VCV000827480.8), dbSNP rs1593079670, ClinGen allele CA482723714.
Genomic context (GRCh38, chr12:132,676,641, plus strand): 5'-GGTCTGTCTCAGCATCAGGAAACTTGAGGGGCAGTTTGGTCGTCTCAATGTCAAATGCCA[A>G]AACCACAGGGTCCTGTGGGGACAAAATAAGCATAAAGCCAAGCTCTAAACTCCCCATTAG-3'
Protein context (NP_006222.2, residues 262-282): DLVERPDPVV[Leu272=]AFDIETTKLP